The following is an entry in ClinVar:

NM_020686.6(ABAT):c.26G>A (p.Arg9His)

Gene: ABAT (4-aminobutyrate aminotransferase; plus strand). Cytogenetic location: 16p13.2.
Variant type: single nucleotide variant.
Coding change: c.26G>A on transcript NM_020686.6 (MANE Select); coding-DNA position 26, G replaced by A.
Protein change: p.Arg9His; replaces arginine 9 with histidine.
Molecular consequence: missense variant. On other transcripts: intron variant (3).
Genome position (GRCh38, 1-based): chr16:8,735,765, G>A. VCF-style: chr16-8735765-G-A. GRCh37 (hg19) VCF-style: chr16-8829622-G-A.
Other names: c.26G>A, p.Arg9His (NM_000663.5, NM_001127448.2, NM_001386600.1 and 13 more transcripts); c.-65-10236G>A (NM_001386611.1, NM_001386612.1, NM_001386613.1); short protein forms R9H.
Identifiers: ClinVar variation 320839 (VCV000320839.32), dbSNP rs531783337, ClinGen allele CA7892913.

ClinVar aggregate classification (germline): Conflicting classifications of pathogenicity. Review status: criteria provided, conflicting classifications (1 of 4 stars). 4 submissions from 4 submitters: Uncertain significance (1); Likely benign (3). Last evaluated 2026-03-01.

Conditions:
Inborn genetic diseases. Identifiers: MedGen C0950123, MeSH D030342.
Gamma-aminobutyric acid transaminase deficiency (GABATD). Also called: GABA aminotransaminase deficiency; GABA transaminase deficiency; Gamma aminobutyrate transaminase deficiency; 4 alpha aminobutyrate transaminase deficiency. Identifiers: Orphanet 2066, MedGen C0342708, MONDO:0013166, OMIM 613163.

Allele frequency attached by ClinVar (database versions not stated): gnomAD 0.00009 and 0.00014; TOPMed 0.00011; 1000 Genomes Project 30x 0.00016; 1000 Genomes Project 0.00020; gnomAD exomes 0.00027; ExAC 0.00048.
gnomAD v4.1: 355 of 1,607,346 alleles (0.022%); highest among the groups gnomAD compares: South Asian, 0.14%; 2 homozygotes.

Submissions (4):

CeGaT Center for Human Genetics Tuebingen
Classification: Likely benign. Last evaluated: 2026-03-01. Review status: criteria provided, single submitter. Criteria: CeGaT Center For Human Genetics Tuebingen Variant Classification Criteria Version 2. Collection method: clinical testing. Allele origin: germline. Affected: yes. Observed: 2 variant alleles.
Comment: ABAT: BP4, BS2

Labcorp Genetics (formerly Invitae), Labcorp
Classification: Likely benign for Gamma-aminobutyric acid transaminase deficiency. Last evaluated: 2026-01-12. Review status: criteria provided, single submitter. Criteria: Invitae Variant Classification Sherloc (09022015). Collection method: clinical testing. Allele origin: germline.

Ambry Genetics
Classification: Likely benign for Inborn genetic diseases. Last evaluated: 2023-06-06. Review status: criteria provided, single submitter. Criteria: Ambry Variant Classification Scheme 2023. Collection method: clinical testing. Allele origin: germline.

Illumina Laboratory Services, Illumina
Classification: Uncertain significance for Gamma-aminobutyric acid transaminase deficiency. Last evaluated: 2018-01-13. Review status: criteria provided, single submitter. Criteria: ICSL Variant Classification Criteria 13 December 2019. Collection method: clinical testing. Allele origin: germline.